The following is an entry in ClinVar:

NM_004667.6(HERC2):c.3954G>C (p.Ser1318=)

Gene: HERC2 (HECT and RLD domain containing E3 ubiquitin protein ligase 2; minus strand). Cytogenetic location: 15q13.1.
Variant type: single nucleotide variant.
Coding change: c.3954G>C on transcript NM_004667.6 (MANE Select); coding-DNA position 3954, G replaced by C.
Protein change: p.Ser1318=; no amino-acid change (serine 1318 retained).
Molecular consequence: synonymous variant.
Genome position (GRCh38, 1-based): chr15:28,237,012, C>G on the plus strand (G>C on the coding strand, the complement: HERC2 is on the minus strand). VCF-style: chr15-28237012-C-G. GRCh37 (hg19) VCF-style: chr15-28482158-C-G.
Identifiers: ClinVar variation 4821677 (VCV004821677.5).
Genomic context (GRCh38, chr15:28,237,012, plus strand): 5'-GATTTTCTTACTGGCACATTCAATCTCGACAGGAGACAGCGGTGTGCTCATTGCCAAATA[C>G]GAAGCGTGTAATCCGAGAAGCAGGCCCAGATTCCTCTCTGTGTCTATCAGAGGTGAAGAG-3'
Protein context (NP_004658.3, residues 1308-1328): NLGLLLGLHA[Ser1318=]YLAMSTPLSP

ClinVar aggregate classification (germline): Likely benign. Review status: criteria provided, multiple submitters, no conflicts (2 of 4 stars). 2 submissions from 2 submitters: Likely benign (2). Last evaluated 2026-09-01.

gnomAD v4.1: 386 of 1,611,594 alleles (0.024%); highest among the groups gnomAD compares: Admixed American, 0.2%; 3 homozygotes.

Submissions (2):

CeGaT Center for Human Genetics Tuebingen
Classification: Likely benign. Last evaluated: 2026-09-01. Review status: criteria provided, single submitter. Criteria: CeGaT Center For Human Genetics Tuebingen Variant Classification Criteria Version 2. Collection method: clinical testing. Allele origin: germline. Affected: yes. Observed: 2 variant alleles.
Comment: HERC2: BP4, BP7

Blueprint Genetics
Classification: Likely benign. Last evaluated: 2024-11-11. Review status: criteria provided, single submitter. Criteria: ACMG Guidelines, 2015. Collection method: clinical testing. Allele origin: germline.